The following is an entry in ClinVar:

ClinVar aggregate classification (germline): Uncertain significance (1 of 4 stars; one submission).

Conditions:
Cardiovascular phenotype. Identifiers: MedGen CN230736.

gnomAD v4.1: 1 of 1,613,976 alleles (0.000062%); highest among the groups gnomAD compares: Admixed American, 0.0017%; no homozygotes.

Submission:

Ambry Genetics
Classification: Uncertain significance for Cardiovascular phenotype. Last evaluated: 2026-09-10. Review status: criteria provided, single submitter. Criteria: Ambry Variant Classification Scheme 2023. Collection method: clinical testing. Allele origin: germline.
Comment: The c.3296A>C (p.D1099A) alteration is located in exon 23 (coding exon 22) of the ABCA1 gene. This alteration results from a A to C substitution at nucleotide position 3296, causing the aspartic acid (D) at amino acid position 1099 to be replaced by an alanine (A). Based on data from gnomAD, the C allele has an overall frequency of <0.001% (1/251392) total alleles studied. The highest observed frequency was 0.003% (1/34586) of Latino alleles. Based on insufficient or conflicting evidence, the clinical significance of this alteration remains unclear.

NM_005502.4(ABCA1):c.3296A>C (p.Asp1099Ala)

Gene: ABCA1 (ATP binding cassette subfamily A member 1; minus strand). Cytogenetic location: 9q31.1.
Variant type: single nucleotide variant.
Coding change: c.3296A>C on transcript NM_005502.4 (MANE Select); coding-DNA position 3296, A replaced by C.
Protein change: p.Asp1099Ala; replaces aspartic acid 1099 with alanine.
Molecular consequence: missense variant.
Genome position (GRCh38, 1-based): chr9:104,818,829, T>G on the plus strand (A>C on the coding strand, the complement: ABCA1 is on the minus strand). VCF-style: chr9-104818829-T-G. GRCh37 (hg19) VCF-style: chr9-107581110-T-G.
Other names: short protein forms D1099A.
Identifiers: ClinVar variation 5034540 (VCV005034540.1).